The following is an entry in ClinVar:

NM_006563.5(KLF1):c.-146C>T

Genes: KLF1 (KLF transcription factor 1; minus strand), LOC117125592 (CRISPRi-FlowFISH-validated CALR, DHPS, JUNB, PRDX2, RAD23A, RNASEH2A and WDR83OS regulatory element; plus strand). Cytogenetic location: 19p13.13.
Variant type: single nucleotide variant.
Coding change: c.-146C>T on transcript NM_006563.5 (MANE Select); 146 bases upstream of the start codon, C replaced by T.
Genome position (GRCh38, 1-based): chr19:12,887,286, G>A on the plus strand (C>T on the coding strand, the complement: KLF1 is on the minus strand). VCF-style: chr19-12887286-G-A. GRCh37 (hg19) VCF-style: chr19-12998100-G-A.
Other names: p.?.
Identifiers: ClinVar variation 3380585 (VCV003380585.1).

ClinVar aggregate classification (germline): Uncertain significance (1 of 4 stars; one submission).

Submission:

Mayo Clinic Laboratories, Mayo Clinic
Classification: Uncertain significance. Last evaluated: 2024-08-27. Review status: criteria provided, single submitter. Criteria: ACMG Guidelines, 2015. Collection method: clinical testing. Allele origin: germline. Observed: 1 variant allele.
Comment: PM2